The following is an entry in ClinVar:

NM_004481.5(GALNT2):c.1600G>A (p.Val534Met)

Gene: GALNT2 (polypeptide N-acetylgalactosaminyltransferase 2; plus strand). Cytogenetic location: 1q42.13.
Variant type: single nucleotide variant.
Coding change: c.1600G>A on transcript NM_004481.5 (MANE Select); coding-DNA position 1600, G replaced by A.
Protein change: p.Val534Met; replaces valine 534 with methionine.
Molecular consequence: missense variant.
Genome position (GRCh38, 1-based): chr1:230,279,342, G>A. VCF-style: chr1-230279342-G-A. GRCh37 (hg19) VCF-style: chr1-230415088-G-A.
Other names: c.1486G>A, p.Val496Met (NM_001291866.2); c.1600G>A (NM_004481.3); short protein forms V534M, V496M.
Identifiers: ClinVar variation 1409745 (VCV001409745.5), dbSNP rs141375194, ClinGen allele CA1446582.

ClinVar aggregate classification (germline): Uncertain significance. Review status: criteria provided, multiple submitters, no conflicts (2 of 4 stars). 2 submissions from 2 submitters: Uncertain significance (2). Last evaluated 2024-12-03.

Conditions:
Inborn genetic diseases. Identifiers: MedGen C0950123, MeSH D030342.

Allele frequency attached by ClinVar (database versions not stated): gnomAD exomes 0.00012 and 0.00027; ExAC 0.00016; gnomAD 0.00017 and 0.00019; TOPMed 0.00020; ESP Exome Variant Server 0.00031.
gnomAD v4.1: 411 of 1,614,022 alleles (0.025%); highest among the groups gnomAD compares: Non-Finnish European, 0.033%; no homozygotes.

Submissions (2):

Ambry Genetics
Classification: Uncertain significance for Inborn genetic diseases. Last evaluated: 2024-12-03. Review status: criteria provided, single submitter. Criteria: Ambry Variant Classification Scheme 2023. Collection method: clinical testing. Allele origin: germline.

Labcorp Genetics (formerly Invitae), Labcorp
Classification: Uncertain significance. Last evaluated: 2022-03-10. Review status: criteria provided, single submitter. Criteria: Invitae Variant Classification Sherloc (09022015). Collection method: clinical testing. Allele origin: germline.
Comment: This sequence change replaces valine, which is neutral and non-polar, with methionine, which is neutral and non-polar, at codon 534 of the GALNT2 protein (p.Val534Met). This variant is present in population databases (rs141375194, gnomAD 0.02%). This variant has not been reported in the literature in individuals affected with GALNT2-related conditions. Algorithms developed to predict the effect of missense changes on protein structure and function (SIFT, PolyPhen-2, Align-GVGD) all suggest that this variant is likely to be tolerated. In summary, the available evidence is currently insufficient to determine the role of this variant in disease. Therefore, it has been classified as a Variant of Uncertain Significance.